The following is an entry in ClinVar:

ClinVar aggregate classification (germline): Uncertain significance. Review status: criteria provided, multiple submitters, no conflicts (2 of 4 stars). 3 submissions from 3 submitters: Uncertain significance (3). Last evaluated 2025-10-10.

Conditions:
Primary ciliary dyskinesia 15. Also called: CILIARY DYSKINESIA, PRIMARY, 15, WITH OR WITHOUT SITUS INVERSUS. Identifiers: Orphanet 244, MedGen C3151137, MONDO:0013435, OMIM 613808.
Primary ciliary dyskinesia. Also called: Ciliary dyskinesia. Identifiers: Orphanet 244, MedGen C0008780, MONDO:0016575, HP:0012265.

Allele frequency attached by ClinVar (database versions not stated): gnomAD 0.00001; ExAC 0.00003; gnomAD exomes 0.00004; TOPMed 0.00004.
gnomAD v4.1: 60 of 1,613,750 alleles (0.0037%); highest among the groups gnomAD compares: East Asian, 0.096%; no homozygotes.

Submissions (3):

Labcorp Genetics (formerly Invitae), Labcorp
Classification: Uncertain significance for Primary ciliary dyskinesia. Last evaluated: 2025-10-10. Review status: criteria provided, single submitter. Criteria: Invitae Variant Classification Sherloc (09022015). Collection method: clinical testing. Allele origin: germline.
Comment: This sequence change replaces glycine, which is neutral and non-polar, with serine, which is neutral and polar, at codon 48 of the CCDC40 protein (p.Gly48Ser). This variant is present in population databases (rs2289526, gnomAD 0.02%). This variant has not been reported in the literature in individuals affected with CCDC40-related conditions. ClinVar contains an entry for this variant (Variation ID: 454877). An algorithm developed to predict the effect of missense changes on protein structure and function outputs the following: PolyPhen-2: "Benign". The serine amino acid residue is found in multiple mammalian species, which suggests that this missense change does not adversely affect protein function. In summary, the available evidence is currently insufficient to determine the role of this variant in disease. Therefore, it has been classified as a Variant of Uncertain Significance.

Ambry Genetics
Classification: Uncertain significance for Primary ciliary dyskinesia. Last evaluated: 2024-03-13. Review status: criteria provided, single submitter. Criteria: Ambry Variant Classification Scheme 2023. Collection method: clinical testing. Allele origin: germline.
Comment: The p.G48S variant (also known as c.142G>A), located in coding exon 3 of the CCDC40 gene, results from a G to A substitution at nucleotide position 142. The glycine at codon 48 is replaced by serine, an amino acid with similar properties. This amino acid position is conserved. In addition, this alteration is predicted to be tolerated by in silico analysis. Based on the available evidence, the clinical significance of this alteration remains unclear.

Illumina Laboratory Services, Illumina
Classification: Uncertain significance for Primary ciliary dyskinesia 15. Last evaluated: 2018-01-12. Review status: criteria provided, single submitter. Criteria: ICSL Variant Classification Criteria 13 December 2019. Collection method: clinical testing. Allele origin: germline.

NM_017950.4(CCDC40):c.142G>A (p.Gly48Ser)

Gene: CCDC40 (coiled-coil domain 40 molecular ruler complex subunit; plus strand). Cytogenetic location: 17q25.3.
Variant type: single nucleotide variant.
Coding change: c.142G>A on transcript NM_017950.4 (MANE Select); coding-DNA position 142, G replaced by A.
Protein change: p.Gly48Ser; replaces glycine 48 with serine.
Molecular consequence: missense variant.
Genome position (GRCh38, 1-based): chr17:80,039,860, G>A. VCF-style: chr17-80039860-G-A. GRCh37 (hg19) VCF-style: chr17-78013659-G-A.
Other names: c.142G>A, p.Gly48Ser (NM_001243342.2, NM_001330508.2); short protein forms G48S.
Identifiers: ClinVar variation 454877 (VCV000454877.13), dbSNP rs2289526, ClinGen allele CA8813384.